The following is an entry in ClinVar:

ClinVar aggregate classification (germline): Conflicting classifications of pathogenicity. Review status: criteria provided, conflicting classifications (1 of 4 stars). 5 submissions from 5 submitters: Uncertain significance (3); Likely benign (2). Last evaluated 2025-09-10.

Conditions:
COACH syndrome 2. Identifiers: MedGen C5436837, MONDO:0030859, OMIM 619111.
Joubert syndrome 9 (JBTS9). Identifiers: Orphanet 2318, MedGen C2676788, MONDO:0012849, OMIM 612285.
Meckel syndrome, type 6. Identifiers: Orphanet 564, MedGen C2676790, MONDO:0012848, OMIM 612284.
Retinitis pigmentosa 93. Identifiers: MedGen C5676970, MONDO:0030797, OMIM 619845.

Allele frequency attached by ClinVar (database versions not stated): gnomAD exomes 0.00005 and 0.00009; ESP Exome Variant Server 0.00008; ExAC 0.00009; gnomAD 0.00009; TOPMed 0.00009; 1000 Genomes Project 30x 0.00016.
gnomAD v4.1: 96 of 1,549,652 alleles (0.0062%); highest among the groups gnomAD compares: Middle Eastern, 0.16%; 2 homozygotes.

Submissions (5):

Genomic Medicine Center of Excellence, King Faisal Specialist Hospital and Research Centre
Classification: Uncertain significance for Joubert syndrome 9. Last evaluated: 2025-09-10. Review status: criteria provided, single submitter. Criteria: ACMG Guidelines, 2015. Collection method: clinical testing. Allele origin: germline.

Blueprint Genetics
Classification: Likely benign. Last evaluated: 2024-05-22. Review status: criteria provided, single submitter. Criteria: ACMG Guidelines, 2015. Collection method: clinical testing. Allele origin: germline.

Fulgent Genetics
Classification: Uncertain significance for Meckel syndrome, type 6; Joubert syndrome 9; COACH syndrome 2; Retinitis pigmentosa 93. Last evaluated: 2024-04-05. Review status: criteria provided, single submitter. Criteria: ACMG Guidelines, 2015. Collection method: clinical testing. Allele origin: germline.

GeneDx
Classification: Uncertain significance. Last evaluated: 2021-11-29. Review status: criteria provided, single submitter. Criteria: GeneDx Variant Classification Process June 2021. Collection method: clinical testing. Allele origin: germline. Affected: yes.
Comment: In silico analysis supports a deleterious effect on splicing; Has not been previously published as pathogenic or benign to our knowledge

Labcorp Genetics (formerly Invitae), Labcorp
Classification: Likely benign. Last evaluated: 2018-01-11. Review status: criteria provided, single submitter. Criteria: Invitae Variant Classification Sherloc (09022015). Collection method: clinical testing. Allele origin: germline.

NM_001378615.1(CC2D2A):c.2182-9G>A

Genes: CC2D2A (coiled-coil and C2 domain containing 2A; plus strand), FBXL5 (F-box and leucine rich repeat protein 5; minus strand). Cytogenetic location: 4p15.32.
Variant type: single nucleotide variant.
Coding change: c.2182-9G>A on transcript NM_001378615.1 (MANE Select); 9 bases into the intron before coding-DNA position 2182, G replaced by A.
Molecular consequence: intron variant.
Genome position (GRCh38, 1-based): chr4:15,550,815, G>A. VCF-style: chr4-15550815-G-A. GRCh37 (hg19) VCF-style: chr4-15552438-G-A.
Other names: c.2182-9G>A (NM_001080522.2); c.2035-9G>A (NM_001378617.1).
Identifiers: ClinVar variation 722459 (VCV000722459.8), dbSNP rs376312792, ClinGen allele CA2863861.
Genomic context (GRCh38, chr4:15,550,815, plus strand): 5'-ACTGATTATCTGAGCGTGAGCACACACTACTGCTGTTTTTATTGGCTATTTCTCTTCTCT[G>A]GTTTTCAGGTCTATGAAACTGTCGGACACAGTAGTCCCACCTTGCTAGCAGAAGTGTTTC-3'